The following is an entry in ClinVar:

NM_001351132.2(PEX5):c.437C>T (p.Ser146Phe)

Gene: PEX5 (peroxisomal biogenesis factor 5; plus strand). Cytogenetic location: 12p13.31.
Variant type: single nucleotide variant.
Coding change: c.437C>T on transcript NM_001351132.2 (MANE Select); coding-DNA position 437, C replaced by T.
Protein change: p.Ser146Phe; replaces serine 146 with phenylalanine.
Molecular consequence: missense variant.
Genome position (GRCh38, 1-based): chr12:7,191,689, C>T. VCF-style: chr12-7191689-C-T. GRCh37 (hg19) VCF-style: chr12-7344285-C-T.
Other names: c.437C>T, p.Ser146Phe (NM_000319.5, NM_001131024.2, NM_001131025.2 and 19 more transcripts); c.482C>T, p.Ser161Phe (NM_001131023.2, NM_001351135.3, NM_001351138.2); short protein forms S146F, S161F.
Identifiers: ClinVar variation 2166965 (VCV002166965.4), dbSNP rs753602965, ClinGen allele CA6426131.

ClinVar aggregate classification (germline): Uncertain significance (1 of 4 stars; one submission).

Conditions:
Peroxisome biogenesis disorder 2B (PBD2B). Identifiers: Orphanet 44, MedGen C3550234, MONDO:0008736, OMIM 202370.

Allele frequency attached by ClinVar (database versions not stated): gnomAD exomes below 0.00001; TOPMed below 0.00001; ExAC 0.00001; gnomAD 0.00001.
gnomAD v4.1: 4 of 1,613,710 alleles (0.00025%); highest among the groups gnomAD compares: African/African-American, 0.0013%; no homozygotes.

Submission:

Labcorp Genetics (formerly Invitae), Labcorp
Classification: Uncertain significance for Peroxisome biogenesis disorder 2B. Last evaluated: 2022-07-17. Review status: criteria provided, single submitter. Criteria: Invitae Variant Classification Sherloc (09022015). Collection method: clinical testing. Allele origin: germline.
Comment: This variant is present in population databases (rs753602965, gnomAD 0.003%). This sequence change replaces serine, which is neutral and polar, with phenylalanine, which is neutral and non-polar, at codon 146 of the PEX5 protein (p.Ser146Phe). This variant has not been reported in the literature in individuals affected with PEX5-related conditions. In summary, the available evidence is currently insufficient to determine the role of this variant in disease. Therefore, it has been classified as a Variant of Uncertain Significance. Algorithms developed to predict the effect of missense changes on protein structure and function are either unavailable or do not agree on the potential impact of this missense change (SIFT: "Deleterious"; PolyPhen-2: "Benign"; Align-GVGD: "Class C0").